The following is an entry in ClinVar:

NM_006648.4(WNK2):c.2086C>A (p.Gln696Lys)

Gene: WNK2 (WNK lysine deficient protein kinase 2; plus strand). Cytogenetic location: 9q22.31.
Variant type: single nucleotide variant.
Coding change: c.2086C>A on transcript NM_006648.4 (MANE Select); coding-DNA position 2086, C replaced by A.
Protein change: p.Gln696Lys; replaces glutamine 696 with lysine.
Molecular consequence: missense variant.
Genome position (GRCh38, 1-based): chr9:93,256,350, C>A. VCF-style: chr9-93256350-C-A. GRCh37 (hg19) VCF-style: chr9-96018632-C-A.
Other names: c.2086C>A, p.Gln696Lys (NM_001282394.3); short protein forms Q696K.
Identifiers: ClinVar variation 3817098 (VCV003817098.1).

ClinVar aggregate classification (germline): Uncertain significance (1 of 4 stars; one submission).

gnomAD v4.1: 3 of 1,586,210 alleles (0.00019%); highest among the groups gnomAD compares: Non-Finnish European, 0.00026%; no homozygotes.

Submission:

Ambry Genetics
Classification: Uncertain significance. Last evaluated: 2025-02-16. Review status: criteria provided, single submitter. Criteria: Ambry Variant Classification Scheme 2023. Collection method: clinical testing. Allele origin: germline.
Comment: The p.Q696K variant (also known as c.2086C>A), located in coding exon 9 of the WNK2 gene, results from a C to A substitution at nucleotide position 2086. The glutamine at codon 696 is replaced by lysine, an amino acid with similar properties. This amino acid position is conserved. In addition, this alteration is predicted to be tolerated by in silico analysis. Based on the available evidence, the clinical significance of this variant remains unclear.